The following is an entry in ClinVar:

NM_005687.5(FARSB):c.1580G>C (p.Gly527Ala)

Gene: FARSB (phenylalanyl-tRNA synthetase subunit beta; minus strand). Cytogenetic location: 2q36.1.
Variant type: single nucleotide variant.
Coding change: c.1580G>C on transcript NM_005687.5 (MANE Select); coding-DNA position 1580, G replaced by C.
Protein change: p.Gly527Ala; replaces glycine 527 with alanine.
Molecular consequence: missense variant. On other transcripts: non-coding transcript variant (1).
Genome position (GRCh38, 1-based): chr2:222,599,966, C>G on the plus strand (G>C on the coding strand, the complement: FARSB is on the minus strand). VCF-style: chr2-222599966-C-G. GRCh37 (hg19) VCF-style: chr2-223464685-C-G.
Other names: short protein forms G527A.
Identifiers: ClinVar variation 2056984 (VCV002056984.4), dbSNP rs1262921604, ClinGen allele CA350811749.
Genomic context (GRCh38, chr2:222,599,966, plus strand): 5'-GGATTCGGCTCATCTGTCTTACCTTCTGATGCTTTGATCACATATCCCCCCTTGTCTTCA[C>G]CAGGAGGCACATCGAGCAACTGCATAATTCTGTCCAGCAGCCCATGAATGATCTCAAACC-3'
Protein context (NP_005678.3, residues 517-537): RIMQLLDVPP[Gly527Ala]EDKGGYVIKA

ClinVar aggregate classification (germline): Uncertain significance (1 of 4 stars; one submission).

Allele frequency attached by ClinVar (database versions not stated): TOPMed below 0.00001; gnomAD 0.00001.
gnomAD v4.1: 3 of 1,608,326 alleles (0.00019%); highest among the groups gnomAD compares: Non-Finnish European, 0.00025%; no homozygotes.

Submission:

Labcorp Genetics (formerly Invitae), Labcorp
Classification: Uncertain significance. Last evaluated: 2022-03-14. Review status: criteria provided, single submitter. Criteria: Invitae Variant Classification Sherloc (09022015). Collection method: clinical testing. Allele origin: germline.
Comment: In summary, the available evidence is currently insufficient to determine the role of this variant in disease. Therefore, it has been classified as a Variant of Uncertain Significance. Algorithms developed to predict the effect of missense changes on protein structure and function (SIFT, PolyPhen-2, Align-GVGD) all suggest that this variant is likely to be tolerated. This variant has not been reported in the literature in individuals affected with FARSB-related conditions. This variant is present in population databases (no rsID available, gnomAD 0.0009%). This sequence change replaces glycine, which is neutral and non-polar, with alanine, which is neutral and non-polar, at codon 527 of the FARSB protein (p.Gly527Ala).